The following is an entry in ClinVar:

NM_177438.3(DICER1):c.2246A>G (p.Tyr749Cys)

Gene: DICER1 (dicer 1, ribonuclease III; minus strand). Cytogenetic location: 14q32.13.
Variant type: single nucleotide variant.
Coding change: c.2246A>G on transcript NM_177438.3 (MANE Select); coding-DNA position 2246, A replaced by G.
Protein change: p.Tyr749Cys; replaces tyrosine 749 with cysteine.
Molecular consequence: missense variant. On other transcripts: non-coding transcript variant (6).
Genome position (GRCh38, 1-based): chr14:95,111,327, T>C on the plus strand (A>G on the coding strand, the complement: DICER1 is on the minus strand). VCF-style: chr14-95111327-T-C. GRCh37 (hg19) VCF-style: chr14-95577664-T-C.
Other names: c.2246A>G, p.Tyr749Cys (NM_001195573.1, NM_001271282.3, NM_001291628.2 and 13 more transcripts); c.1964A>G, p.Tyr655Cys (NM_001395686.1); c.1841A>G, p.Tyr614Cys (NM_001395687.1, NM_001395688.1, NM_001395689.1 and 3 more transcripts); c.1679A>G, p.Tyr560Cys (NM_001395691.1); c.563A>G, p.Tyr188Cys (NM_001395697.1); short protein forms Y749C, Y614C, Y188C, Y560C, Y655C.
Identifiers: ClinVar variation 2742565 (VCV002742565.1), dbSNP rs1309961626, ClinGen allele CA390882483.

ClinVar aggregate classification (germline): Uncertain significance (1 of 4 stars; one submission).

Conditions:
DICER1-related tumor predisposition. Also called: DICER1 syndrome; DICER1-related pleuropulmonary blastoma cancer predisposition syndrome. Identifiers: Orphanet 284343, MedGen C3839822, MONDO:0100216.

Submission:

Labcorp Genetics (formerly Invitae), Labcorp
Classification: Uncertain significance for DICER1-related tumor predisposition. Last evaluated: 2023-05-23. Review status: criteria provided, single submitter. Criteria: Invitae Variant Classification Sherloc (09022015). Collection method: clinical testing. Allele origin: germline.
Comment: This sequence change replaces tyrosine, which is neutral and polar, with cysteine, which is neutral and slightly polar, at codon 749 of the DICER1 protein (p.Tyr749Cys). This variant is not present in population databases (gnomAD no frequency). This variant has not been reported in the literature in individuals affected with DICER1-related conditions. Advanced modeling of protein sequence and biophysical properties (such as structural, functional, and spatial information, amino acid conservation, physicochemical variation, residue mobility, and thermodynamic stability) performed at Invitae indicates that this missense variant is expected to disrupt DICER1 protein function. In summary, the available evidence is currently insufficient to determine the role of this variant in disease. Therefore, it has been classified as a Variant of Uncertain Significance.